The following is an entry in ClinVar:

NM_001876.4(CPT1A):c.1172G>A (p.Trp391Ter)

Genes: CPT1A (carnitine palmitoyltransferase 1A; minus strand), LOC126861244 (BRD4-independent group 4 enhancer GRCh37_chr11:68549035-68550234; plus strand). Cytogenetic location: 11q13.3.
Variant type: single nucleotide variant.
Coding change: c.1172G>A on transcript NM_001876.4 (MANE Select); coding-DNA position 1172, G replaced by A.
Protein change: p.Trp391Ter; replaces tryptophan 391 with a stop codon.
Molecular consequence: nonsense.
Genome position (GRCh38, 1-based): chr11:68,781,951, C>T on the plus strand (G>A on the coding strand, the complement: CPT1A is on the minus strand). VCF-style: chr11-68781951-C-T. GRCh37 (hg19) VCF-style: chr11-68549419-C-T.
Other names: c.1172G>A, p.Trp391Ter (NM_001031847.3); short protein forms W391*.
Identifiers: ClinVar variation 2029334 (VCV002029334.4), dbSNP rs2495578095, ClinGen allele CA381631999.

ClinVar aggregate classification (germline): Pathogenic (1 of 4 stars; one submission).

Conditions:
Carnitine palmitoyl transferase 1A deficiency. Also called: CPT I DEFICIENCY; CPT DEFICIENCY, HEPATIC, TYPE I; Carnitine palmitoyltransferase 1A deficiency; Carnitine palmitoyltransferase type I deficiency; CPT deficiency, hepatic, type IA. Identifiers: Orphanet 156, MedGen C1829703, MONDO:0009705, OMIM 255120.

Submission:

Labcorp Genetics (formerly Invitae), Labcorp
Classification: Pathogenic for Carnitine palmitoyl transferase 1A deficiency. Last evaluated: 2022-10-17. Review status: criteria provided, single submitter. Criteria: Invitae Variant Classification Sherloc (09022015). Collection method: clinical testing. Allele origin: germline.
Comment: This variant is not present in population databases (gnomAD no frequency). This sequence change creates a premature translational stop signal (p.Trp391*) in the CPT1A gene. It is expected to result in an absent or disrupted protein product. Loss-of-function variants in CPT1A are known to be pathogenic (PMID: 16169268). For these reasons, this variant has been classified as Pathogenic. This variant has not been reported in the literature in individuals affected with CPT1A-related conditions.

Literature cited by the submitters: PubMed 16169268.